The following is an entry in ClinVar:

ClinVar aggregate classification (germline): Uncertain significance. Review status: criteria provided, multiple submitters, no conflicts (2 of 4 stars). 2 submissions from 2 submitters: Uncertain significance (2). Last evaluated 2023-05-19.

Submissions (2):

Blueprint Genetics
Classification: Uncertain significance. Last evaluated: 2023-05-19. Review status: criteria provided, single submitter. Criteria: ACMG Guidelines, 2015. Collection method: clinical testing. Allele origin: germline.

Labcorp Genetics (formerly Invitae), Labcorp
Classification: Uncertain significance. Last evaluated: 2022-11-08. Review status: criteria provided, single submitter. Criteria: Invitae Variant Classification Sherloc (09022015). Collection method: clinical testing. Allele origin: germline.
Comment: In summary, the available evidence is currently insufficient to determine the role of this variant in disease. Therefore, it has been classified as a Variant of Uncertain Significance. Advanced modeling of protein sequence and biophysical properties (such as structural, functional, and spatial information, amino acid conservation, physicochemical variation, residue mobility, and thermodynamic stability) performed at Invitae indicates that this missense variant is not expected to disrupt ANLN protein function. This variant has not been reported in the literature in individuals affected with ANLN-related conditions. This variant is not present in population databases (gnomAD no frequency). This sequence change replaces proline, which is neutral and non-polar, with serine, which is neutral and polar, at codon 654 of the ANLN protein (p.Pro654Ser).

NM_018685.5(ANLN):c.1960C>T (p.Pro654Ser)

Gene: ANLN (anillin, actin binding protein; plus strand). Cytogenetic location: 7p14.2.
Variant type: single nucleotide variant.
Coding change: c.1960C>T on transcript NM_018685.5 (MANE Select); coding-DNA position 1960, C replaced by T.
Protein change: p.Pro654Ser; replaces proline 654 with serine.
Molecular consequence: missense variant.
Genome position (GRCh38, 1-based): chr7:36,420,259, C>T. VCF-style: chr7-36420259-C-T. GRCh37 (hg19) VCF-style: chr7-36459868-C-T.
Other names: c.1849C>T, p.Pro617Ser (NM_001284301.3); c.1846C>T, p.Pro616Ser (NM_001284302.3); short protein forms P616S, P617S, P654S.
Identifiers: ClinVar variation 2812973 (VCV002812973.4), dbSNP rs2534613234, ClinGen allele CA367212645.